The following is an entry in ClinVar:

NM_005219.5(DIAPH1):c.70G>C (p.Asp24His)

Gene: DIAPH1 (diaphanous related formin 1; minus strand). Cytogenetic location: 5q31.3.
Variant type: single nucleotide variant.
Coding change: c.70G>C on transcript NM_005219.5 (MANE Select); coding-DNA position 70, G replaced by C.
Protein change: p.Asp24His; replaces aspartic acid 24 with histidine.
Molecular consequence: missense variant.
Genome position (GRCh38, 1-based): chr5:141,618,845, C>G on the plus strand (G>C on the coding strand, the complement: DIAPH1 is on the minus strand). VCF-style: chr5-141618845-C-G. GRCh37 (hg19) VCF-style: chr5-140998412-C-G.
Other names: c.70G>C, p.Asp24His (NM_001079812.3, NM_001314007.2); short protein forms D24H.
Identifiers: ClinVar variation 1469150 (VCV001469150.9), dbSNP rs1276900007, ClinGen allele CA361508587.
Genomic context (GRCh38, chr5:141,618,845, plus strand): 5'-GAGGGACACTCACAAATTTCTTAGATTTGCCGCCGTCGCCGCCCGCCGAGGGCAGCTCAT[C>G]TGGGCTCCGGCCCTTCTTCTTGTCCCGGGTCCCGCGGCCGGGCCCCAGGCTCCCGCCGGG-3'
Protein context (NP_005210.3, residues 14-34): TRDKKKGRSP[Asp24His]ELPSAGGDGG

ClinVar aggregate classification (germline): Uncertain significance. Review status: criteria provided, multiple submitters, no conflicts (2 of 4 stars). 2 submissions from 2 submitters: Uncertain significance (2). Last evaluated 2024-12-02.

Conditions:
Autosomal dominant nonsyndromic hearing loss 1. Also called: DEAFNESS, AUTOSOMAL DOMINANT 1, WITH OR WITHOUT THROMBOCYTOPENIA; KONIGSMARK SYNDROME. Identifiers: Orphanet 90635, MedGen C1852282, MONDO:0007424, OMIM 124900.
Progressive microcephaly-seizures-cortical blindness-developmental delay syndrome. Also called: Seizures, cortical blindness, and microcephaly syndrome. Identifiers: Orphanet 477814, MedGen C5567650, MONDO:0014714, OMIM 616632.

Allele frequency attached by ClinVar (database versions not stated): TOPMed below 0.00001; gnomAD 0.00001.
gnomAD v4.1: 3 of 1,544,846 alleles (0.00019%); highest among the groups gnomAD compares: Non-Finnish European, 0.00026%; no homozygotes.

Submissions (2):

Women's Health and Genetics/Laboratory Corporation of America, LabCorp
Classification: Uncertain significance. Last evaluated: 2024-12-02. Review status: criteria provided, single submitter. Criteria: LabCorp Variant Classification Summary - May 2015. Collection method: clinical testing. Allele origin: germline.
Comment: Variant summary: DIAPH1 c.70G>C (p.Asp24His) results in a non-conservative amino acid change in the encoded protein sequence. Three of five in-silico tools predict a benign effect of the variant on protein function. The variant was absent in 141634 control chromosomes. The available data on variant occurrences in the general population are insufficient to allow any conclusion about variant significance. To our knowledge, no occurrence of c.70G>C in individuals affected with Seizures, Cortical Blindness, And Microcephaly Syndrome and no experimental evidence demonstrating its impact on protein function have been reported. ClinVar contains an entry for this variant (Variation ID: 1469150). Based on the evidence outlined above, the variant was classified as uncertain significance.

Labcorp Genetics (formerly Invitae), Labcorp
Classification: Uncertain significance for Progressive microcephaly-seizures-cortical blindness-developmental delay syndrome; Autosomal dominant nonsyndromic hearing loss 1. Last evaluated: 2024-10-21. Review status: criteria provided, single submitter. Criteria: Invitae Variant Classification Sherloc (09022015). Collection method: clinical testing. Allele origin: germline.
Comment: This sequence change replaces aspartic acid, which is acidic and polar, with histidine, which is basic and polar, at codon 24 of the DIAPH1 protein (p.Asp24His). This variant is not present in population databases (gnomAD no frequency). This variant has not been reported in the literature in individuals affected with DIAPH1-related conditions. ClinVar contains an entry for this variant (Variation ID: 1469150). Experimental studies and prediction algorithms are not available or were not evaluated, and the functional significance of this variant is currently unknown. In summary, the available evidence is currently insufficient to determine the role of this variant in disease. Therefore, it has been classified as a Variant of Uncertain Significance.